The following is an entry in ClinVar:

NM_004565.3(PEX14):c.761C>T (p.Ala254Val)

Gene: PEX14 (peroxisomal biogenesis factor 14; plus strand). Cytogenetic location: 1p36.22.
Variant type: single nucleotide variant.
Coding change: c.761C>T on transcript NM_004565.3 (MANE Select); coding-DNA position 761, C replaced by T.
Protein change: p.Ala254Val; replaces alanine 254 with valine.
Molecular consequence: missense variant.
Genome position (GRCh38, 1-based): chr1:10,629,614, C>T. VCF-style: chr1-10629614-C-T. GRCh37 (hg19) VCF-style: chr1-10689671-C-T.
Other names: short protein forms A254V.
Identifiers: ClinVar variation 1465350 (VCV001465350.5), dbSNP rs149265608, ClinGen allele CA583960.

ClinVar aggregate classification (germline): Uncertain significance. Review status: criteria provided, multiple submitters, no conflicts (2 of 4 stars). 2 submissions from 2 submitters: Uncertain significance (2). Last evaluated 2025-05-05.

Conditions:
Peroxisome biogenesis disorder, complementation group K (CGK). Identifiers: MedGen C1866257, MONDO:0800365.

Allele frequency attached by ClinVar (database versions not stated): gnomAD exomes below 0.00001 and 0.00001; ExAC 0.00001; ESP Exome Variant Server 0.00008.
gnomAD v4.1: 13 of 1,613,676 alleles (0.00081%); highest among the groups gnomAD compares: Middle Eastern, 0.033%; no homozygotes.

Submissions (2):

Labcorp Genetics (formerly Invitae), Labcorp
Classification: Uncertain significance for Peroxisome biogenesis disorder, complementation group K. Last evaluated: 2025-05-05. Review status: criteria provided, single submitter. Criteria: Invitae Variant Classification Sherloc (09022015). Collection method: clinical testing. Allele origin: germline.
Comment: This sequence change replaces alanine, which is neutral and non-polar, with valine, which is neutral and non-polar, at codon 254 of the PEX14 protein (p.Ala254Val). This variant is present in population databases (rs149265608, gnomAD 0.0009%). This variant has not been reported in the literature in individuals affected with PEX14-related conditions. ClinVar contains an entry for this variant (Variation ID: 1465350). Invitae Evidence Modeling of protein sequence and biophysical properties (such as structural, functional, and spatial information, amino acid conservation, physicochemical variation, residue mobility, and thermodynamic stability) indicates that this missense variant is not expected to disrupt PEX14 protein function with a negative predictive value of 80%. In summary, the available evidence is currently insufficient to determine the role of this variant in disease. Therefore, it has been classified as a Variant of Uncertain Significance.

Blueprint Genetics
Classification: Uncertain significance. Last evaluated: 2024-03-13. Review status: criteria provided, single submitter. Criteria: ACMG Guidelines, 2015. Collection method: clinical testing. Allele origin: germline.